The following is an entry in ClinVar:

ClinVar aggregate classification (germline): Uncertain significance. Review status: criteria provided, multiple submitters, no conflicts (2 of 4 stars). 6 submissions from 6 submitters: Uncertain significance (4). 2 of the submissions do not count toward it. Last evaluated 2024-03-07.

Conditions:
Cardiovascular phenotype. Identifiers: MedGen CN230736.
Catecholaminergic polymorphic ventricular tachycardia 2. Also called: CASQ2-Related Catecholaminergic Polymorphic Ventricular Tachycardia; VENTRICULAR TACHYCARDIA, STRESS-INDUCED POLYMORPHIC 2. Identifiers: Orphanet 3286, MedGen C2677794, MONDO:0012762, OMIM 611938.
Catecholaminergic polymorphic ventricular tachycardia 1. Also called: RYR2-Related Catecholaminergic Polymorphic Ventricular Tachycardia; VENTRICULAR TACHYCARDIA, CATECHOLAMINERGIC POLYMORPHIC, 1, WITH OR WITHOUT ATRIAL DYSFUNCTION AND/OR DILATED CARDIOMYOPATHY; VENTRICULAR TACHYCARDIA, STRESS-INDUCED POLYMORPHIC 1. Identifiers: Orphanet 3286, MedGen C1631597, MONDO:0011484, OMIM 604772.

Allele frequency attached by ClinVar (database versions not stated): gnomAD exomes below 0.00001; gnomAD 0.00003.
gnomAD v4.1: 6 of 1,613,896 alleles (0.00037%); highest among the groups gnomAD compares: Non-Finnish European, 0.00051%; no homozygotes.

Submissions (6):

Ambry Genetics
Classification: Uncertain significance for Cardiovascular phenotype. Last evaluated: 2024-03-07. Review status: criteria provided, single submitter. Criteria: Ambry Variant Classification Scheme 2023. Collection method: clinical testing. Allele origin: germline.
Comment: The p.K47N variant (also known as c.141G>C), located in coding exon 1 of the CASQ2 gene, results from a G to C substitution at nucleotide position 141. The lysine at codon 47 is replaced by asparagine, an amino acid with similar properties. This amino acid position is highly conserved in available vertebrate species. In addition, this alteration is predicted to be tolerated by in silico analysis. Based on the available evidence, the clinical significance of this alteration remains unclear.

Genome-Nilou Lab
Classification: Uncertain significance for Catecholaminergic polymorphic ventricular tachycardia 2. Last evaluated: 2023-04-11. Review status: criteria provided, single submitter. Criteria: ACMG Guidelines, 2015. Collection method: clinical testing. Allele origin: germline. Affected: no.

Labcorp Genetics (formerly Invitae), Labcorp
Classification: Uncertain significance for Catecholaminergic polymorphic ventricular tachycardia 1. Last evaluated: 2021-08-30. Review status: criteria provided, single submitter. Criteria: Invitae Variant Classification Sherloc (09022015). Collection method: clinical testing. Allele origin: germline.
Comment: This sequence change replaces lysine with asparagine at codon 47 of the CASQ2 protein (p.Lys47Asn). The lysine residue is moderately conserved and there is a moderate physicochemical difference between lysine and asparagine. This variant is not present in population databases (ExAC no frequency). This missense change has been observed in individual(s) with Brugada syndrome (PMID: 30847666). ClinVar contains an entry for this variant (Variation ID: 522229). Algorithms developed to predict the effect of missense changes on protein structure and function are either unavailable or do not agree on the potential impact of this missense change (SIFT: "Tolerated"; PolyPhen-2: "Probably Damaging"; Align-GVGD: "Class C0"). In summary, the available evidence is currently insufficient to determine the role of this variant in disease. Therefore, it has been classified as a Variant of Uncertain Significance.

Genome Diagnostics Laboratory, University Medical Center Utrecht
Classification: Uncertain significance for Catecholaminergic polymorphic ventricular tachycardia 2. Last evaluated: 2017-11-23. Review status: criteria provided, single submitter. Criteria: ACGS Guidelines, 2013. Collection method: clinical testing. Allele origin: germline. Affected: yes. Study: VKGL Data-share Consensus.

Clinical Genetics, Academic Medical Center
Classification: Uncertain significance. Review status: no assertion criteria provided. Collection method: clinical testing. Allele origin: germline. Affected: yes. Study: VKGL Data-share Consensus. Not counted in ClinVar's aggregate classification.

Joint Genome Diagnostic Labs from Nijmegen and Maastricht, Radboudumc and MUMC+
Classification: Uncertain significance. Review status: no assertion criteria provided. Collection method: clinical testing. Allele origin: germline. Affected: yes. Study: VKGL Data-share Consensus. Not counted in ClinVar's aggregate classification.

Literature cited by the submitters: PubMed 30847666 (cited by Labcorp Genetics (formerly Invitae), Labcorp).

NM_001232.4(CASQ2):c.141G>C (p.Lys47Asn)

Gene: CASQ2 (calsequestrin 2; minus strand). Cytogenetic location: 1p13.1.
Variant type: single nucleotide variant.
Coding change: c.141G>C on transcript NM_001232.4 (MANE Select); coding-DNA position 141, G replaced by C.
Protein change: p.Lys47Asn; replaces lysine 47 with asparagine.
Molecular consequence: missense variant.
Genome position (GRCh38, 1-based): chr1:115,768,401, C>G on the plus strand (G>C on the coding strand, the complement: CASQ2 is on the minus strand). VCF-style: chr1-115768401-C-G. GRCh37 (hg19) VCF-style: chr1-116311022-C-G.
Other names: short protein forms K47N.
Identifiers: ClinVar variation 522229 (VCV000522229.11), dbSNP rs1553197917, ClinGen allele CA341767168.